The following is an entry in ClinVar:

ClinVar aggregate classification (germline): Likely pathogenic (1 of 4 stars; one submission).

Conditions:
Dilated cardiomyopathy 1G (CMD1G). Identifiers: Orphanet 154, MedGen C1858763, MONDO:0011400, OMIM 604145.
Autosomal recessive limb-girdle muscular dystrophy type 2J (LGMDR10). Also called: Limb-girdle muscular dystrophy, type 2J; MUSCULAR DYSTROPHY, LIMB-GIRDLE, AUTOSOMAL RECESSIVE 10. Identifiers: Orphanet 140922, MedGen C1837342, MONDO:0012127, OMIM 608807.

Submission:

Labcorp Genetics (formerly Invitae), Labcorp
Classification: Likely pathogenic for Dilated cardiomyopathy 1G; Autosomal recessive limb-girdle muscular dystrophy type 2J. Last evaluated: 2024-07-03. Review status: criteria provided, single submitter. Criteria: Invitae Variant Classification Sherloc (09022015). Collection method: clinical testing. Allele origin: germline.
Comment: This sequence change creates a premature translational stop signal (p.Gln19250*) in the TTN gene. While this is not anticipated to result in nonsense mediated decay, it is expected to create a truncated TTN protein. This variant is not present in population databases (gnomAD no frequency). This variant has not been reported in the literature in individuals affected with TTN-related conditions. This variant is located in the A band of TTN (PMID: 25589632). Truncating variants in this region are significantly overrepresented in patients affected with dilated cardiomyopathy (PMID: 25589632). Truncating variants in this region have also been reported in individuals affected with autosomal recessive centronuclear myopathy (PMID: 23975875). In summary, the currently available evidence indicates that the variant is pathogenic, but additional data are needed to prove that conclusively. Therefore, this variant has been classified as Likely Pathogenic.

Literature cited by the submitters: PubMed 25589632; PubMed 23975875.

NM_001267550.2(TTN):c.57748C>T (p.Gln19250Ter)

Genes: TTN (titin; minus strand), TTN-AS1 (TTN antisense RNA 1; plus strand). Cytogenetic location: 2q31.2.
Variant type: single nucleotide variant.
Coding change: c.57748C>T on transcript NM_001267550.2 (MANE Select); coding-DNA position 57748, C replaced by T.
Protein change: p.Gln19250Ter; replaces glutamine 19250 with a stop codon.
Molecular consequence: nonsense.
Genome position (GRCh38, 1-based): chr2:178,595,606, G>A on the plus strand (C>T on the coding strand, the complement: TTN is on the minus strand). VCF-style: chr2-178595606-G-A. GRCh37 (hg19) VCF-style: chr2-179460333-G-A.
Other names: c.52825C>T, p.Gln17609Ter (NM_001256850.1); c.30553C>T, p.Gln10185Ter (NM_003319.4); c.50044C>T, p.Gln16682Ter (NM_133378.4); c.30928C>T, p.Gln10310Ter (NM_133432.3); c.31129C>T, p.Gln10377Ter (NM_133437.4); short protein forms Q10310*, Q10377*, Q17609*, Q10185*, Q16682*, Q19250*.
Identifiers: ClinVar variation 2950586 (VCV002950586.3), dbSNP rs2469698122, ClinGen allele CA349514849.
Genomic context (GRCh38, chr2:178,595,606, plus strand): 5'-CAAATGGACCCATGCCAATACTATTTTCAGCCGCAATTCGGAAAAAGTAGGCTTTTCCTT[G>A]AATGAGACCCTGGACAGTAGCATTTTGTCGGGTAACTGTATATGTCACTGGGGTCCATGC-3'